The following is an entry in ClinVar:

NM_001401501.2(MUC16):c.39544C>T (p.Arg13182Trp)

Gene: MUC16 (mucin 16, cell surface associated; minus strand). Cytogenetic location: 19p13.2.
Variant type: single nucleotide variant.
Coding change: c.39544C>T on transcript NM_001401501.2 (MANE Select); coding-DNA position 39544, C replaced by T.
Protein change: p.Arg13182Trp; replaces arginine 13182 with tryptophan.
Molecular consequence: missense variant.
Genome position (GRCh38, 1-based): chr19:8,897,518, G>A on the plus strand (C>T on the coding strand, the complement: MUC16 is on the minus strand). VCF-style: chr19-8897518-G-A. GRCh37 (hg19) VCF-style: chr19-9008194-G-A.
Other names: c.39970C>T, p.Arg13324Trp (NM_001414686.1); c.39424C>T, p.Arg13142Trp (NM_001414687.1); c.39358C>T, p.Arg13120Trp (NM_024690.2); short protein forms R13120W, R13142W, R13182W, R13324W.
Identifiers: ClinVar variation 2649223 (VCV002649223.25), dbSNP rs186813025, ClinGen allele CA9164095.

ClinVar aggregate classification (germline): Likely benign. Review status: criteria provided, single submitter (1 of 4 stars). 2 submissions from 2 submitters: Likely benign (1). 1 of the submissions does not count toward it. Last evaluated 2023-01-01.

Conditions:
MUC16-related disorder. Also called: MUC16-related condition.

Allele frequency attached by ClinVar (database versions not stated): 1000 Genomes Project 30x 0.00234; 1000 Genomes Project 0.00240; TOPMed 0.00460; gnomAD 0.00483; ESP Exome Variant Server 0.00573.

Submissions (2):

CeGaT Center for Human Genetics Tuebingen
Classification: Likely benign. Last evaluated: 2023-01-01. Review status: criteria provided, single submitter. Criteria: CeGaT Center For Human Genetics Tuebingen Variant Classification Criteria Version 2. Collection method: clinical testing. Allele origin: germline. Affected: yes. Observed: 1 variant allele.
Comment: MUC16: BP4, BS2

PreventionGenetics, part of Exact Sciences
Classification: Benign for MUC16-related condition. Last evaluated: 2019-07-19. Review status: no assertion criteria provided. Collection method: clinical testing. Allele origin: germline. Not counted in ClinVar's aggregate classification.
Comment: This variant is classified as benign based on ACMG/AMP sequence variant interpretation guidelines (Richards et al. 2015 PMID: 25741868, with internal and published modifications).